The following is an entry in ClinVar:

ClinVar aggregate classification (germline): Likely pathogenic (1 of 4 stars; one submission).

Conditions:
Congenital factor VII deficiency. Identifiers: Orphanet 327, MedGen C0272320, MONDO:0009211, OMIM 227500.

Submission:

Breakthrough Genomics
Classification: Likely pathogenic for Congenital factor VII deficiency. Last evaluated: 2021-01-23. Review status: criteria provided, single submitter. Criteria: ACMG Guidelines, 2015. Collection method: clinical testing. Allele origin: germline. Affected: yes.
Comment: This variant is predicted to cause a frameshift and consequent premature termination of the protein (p. Leu347ArgfsTer19) and this will likely result in loss-of-function. The variant seems to be a novel variant, as it has not been previously reported in population or public databases or in the literature. However, in the ClinVar database another truncating variants lying downstream of the variant, has been previously reported as ‘likely pathogenic’ in the context of Factor VII deficiency and abnormal bleeding.

NM_019616.4(F7):c.974del (p.Leu325fs)

Gene: F7 (coagulation factor VII; plus strand). Cytogenetic location: 13q34.
Variant type: Deletion.
Coding change: c.974del on transcript NM_019616.4 (MANE Select); coding-DNA position 974, one base deleted (T; older notation c.974delT).
Protein change: p.Leu325fs; shifts the reading frame from leucine 325.
Molecular consequence: frameshift variant. On other transcripts: non-coding transcript variant (1).
Genome position (GRCh38, 1-based): chr13:113,118,647, T deleted. VCF-style (leftmost placement, unchanged base first): chr13-113118646-CT-C. GRCh37 (hg19) VCF-style: chr13-113772960-CT-C.
Other names: p.Leu347ArgfsTer19; c.1040delT (NM_000131.4); c.1040delT, p.Leu347Argfs (NM_000131.5); c.788del, p.Leu263fs (NM_001267554.2); short protein forms L263fs, L325fs, L347fs.
Identifiers: ClinVar variation 3255606 (VCV003255606.2).